The following is an entry in ClinVar:

NM_001077653.2(TBX20):c.1196C>T (p.Pro399Leu)

Gene: TBX20 (T-box transcription factor 20; minus strand). Cytogenetic location: 7p14.2.
Variant type: single nucleotide variant.
Coding change: c.1196C>T on transcript NM_001077653.2 (MANE Select); coding-DNA position 1196, C replaced by T.
Protein change: p.Pro399Leu; replaces proline 399 with leucine.
Molecular consequence: missense variant.
Genome position (GRCh38, 1-based): chr7:35,202,578, G>A on the plus strand (C>T on the coding strand, the complement: TBX20 is on the minus strand). VCF-style: chr7-35202578-G-A. GRCh37 (hg19) VCF-style: chr7-35242190-G-A.
Other names: short protein forms P399L.
Identifiers: ClinVar variation 3642728 (VCV003642728.2).
Genomic context (GRCh38, chr7:35,202,578, plus strand): 5'-GGCATGTGGAATGAAGGGAATGTGGGGCCACTCCCTTGCATGGAGCTGGCAATGGCCGAT[G>A]GTGTCAGAGGCATTCCCAGTCGGCTATATGGTGGCAGAGAACCCTGGATGGGGTGAGGAA-3'
Protein context (NP_001071121.1, residues 389-409): PYSRLGMPLT[Pro399Leu]SAIASSMQGS

ClinVar aggregate classification (germline): Uncertain significance (1 of 4 stars; one submission).

gnomAD v4.1: 1 of 1,614,072 alleles (0.000062%); highest among the groups gnomAD compares: Non-Finnish European, 0.000085%; no homozygotes.

Submission:

Labcorp Genetics (formerly Invitae), Labcorp
Classification: Uncertain significance. Last evaluated: 2024-02-23. Review status: criteria provided, single submitter. Criteria: Invitae Variant Classification Sherloc (09022015). Collection method: clinical testing. Allele origin: germline.
Comment: This sequence change replaces proline, which is neutral and non-polar, with leucine, which is neutral and non-polar, at codon 399 of the TBX20 protein (p.Pro399Leu). This variant is not present in population databases (gnomAD no frequency). This variant has not been reported in the literature in individuals affected with TBX20-related conditions. An algorithm developed to predict the effect of missense changes on protein structure and function (PolyPhen-2) suggests that this variant is likely to be tolerated. In summary, the available evidence is currently insufficient to determine the role of this variant in disease. Therefore, it has been classified as a Variant of Uncertain Significance.